The following is an entry in ClinVar:

NM_000038.6(APC):c.8291C>A (p.Ser2764Tyr)

Gene: APC (APC regulator of Wnt signaling pathway; plus strand). Cytogenetic location: 5q22.2.
Variant type: single nucleotide variant.
Coding change: c.8291C>A on transcript NM_000038.6 (MANE Select); coding-DNA position 8291, C replaced by A.
Protein change: p.Ser2764Tyr; replaces serine 2764 with tyrosine.
Molecular consequence: missense variant.
Genome position (GRCh38, 1-based): chr5:112,843,885, C>A. VCF-style: chr5-112843885-C-A. GRCh37 (hg19) VCF-style: chr5-112179582-C-A.
Other names: c.8291C>A, p.Ser2764Tyr (NM_001127510.3, NM_001354895.2); c.8237C>A, p.Ser2746Tyr (NM_001127511.3); c.8345C>A, p.Ser2782Tyr (NM_001354896.2); c.8321C>A, p.Ser2774Tyr (NM_001354897.2); c.8216C>A, p.Ser2739Tyr (NM_001354898.2); c.8207C>A, p.Ser2736Tyr (NM_001354899.2); c.8168C>A, p.Ser2723Tyr (NM_001354900.2); c.8114C>A, p.Ser2705Tyr (NM_001354901.2); and 5 more; short protein forms S2481Y, S2638Y, S2774Y, S2663Y, S2736Y, S2746Y, S2673Y, S2705Y.
Identifiers: ClinVar variation 944853 (VCV000944853.11), dbSNP rs1057520223, ClinGen allele CA16039319.

ClinVar aggregate classification (germline): Uncertain significance (1 of 4 stars; one submission).

Conditions:
Familial adenomatous polyposis 1 (FAP1). Also called: POLYPOSIS, ADENOMATOUS INTESTINAL; FAMILIAL ADENOMATOUS POLYPOSIS 1, ATTENUATED. Identifiers: MedGen C2713442, MONDO:0021056, OMIM 175100. Disease mechanism: loss of function.

Submission:

Labcorp Genetics (formerly Invitae), Labcorp
Classification: Uncertain significance for Familial adenomatous polyposis 1. Last evaluated: 2025-06-29. Review status: criteria provided, single submitter. Criteria: Invitae Variant Classification Sherloc (09022015). Collection method: clinical testing. Allele origin: germline.
Comment: This sequence change replaces serine, which is neutral and polar, with tyrosine, which is neutral and polar, at codon 2764 of the APC protein (p.Ser2764Tyr). This variant is not present in population databases (gnomAD no frequency). This variant has not been reported in the literature in individuals affected with APC-related conditions. ClinVar contains an entry for this variant (Variation ID: 944853). Invitae Evidence Modeling of protein sequence and biophysical properties (such as structural, functional, and spatial information, amino acid conservation, physicochemical variation, residue mobility, and thermodynamic stability) indicates that this missense variant is not expected to disrupt APC protein function with a negative predictive value of 95%. In summary, the available evidence is currently insufficient to determine the role of this variant in disease. Therefore, it has been classified as a Variant of Uncertain Significance.